The following is an entry in ClinVar:

NM_001287491.2(TET3):c.795T>C (p.His265=)

Gene: TET3 (tet methylcytosine dioxygenase 3; plus strand). Cytogenetic location: 2p13.1.
Variant type: single nucleotide variant.
Coding change: c.795T>C on transcript NM_001287491.2 (MANE Select); coding-DNA position 795, T replaced by C.
Protein change: p.His265=; no amino-acid change (histidine 265 retained).
Molecular consequence: synonymous variant.
Genome position (GRCh38, 1-based): chr2:74,046,712, T>C. VCF-style: chr2-74046712-T-C. GRCh37 (hg19) VCF-style: chr2-74273839-T-C.
Other names: c.516T>C, p.His172= (NM_001366022.1).
Identifiers: ClinVar variation 3898228 (VCV003898228.7).

ClinVar aggregate classification (germline): Likely benign (1 of 4 stars; one submission).

gnomAD v4.1: 100 of 1,613,846 alleles (0.0062%); highest among the groups gnomAD compares: Non-Finnish European, 0.0079%; no homozygotes.

Submission:

CeGaT Center for Human Genetics Tuebingen
Classification: Likely benign. Last evaluated: 2025-04-01. Review status: criteria provided, single submitter. Criteria: CeGaT Center For Human Genetics Tuebingen Variant Classification Criteria Version 2. Collection method: clinical testing. Allele origin: germline. Affected: yes. Observed: 1 variant allele.
Comment: TET3: BP4, BP7